The following is an entry in ClinVar:

ClinVar aggregate classification (germline): Uncertain significance (1 of 4 stars; one submission).

Conditions:
Hereditary cancer-predisposing syndrome. Also called: Neoplastic Syndromes, Hereditary; Tumor predisposition; Hereditary Cancer Syndrome; Hereditary neoplastic syndrome. Identifiers: Orphanet 140162, MedGen C0027672, MeSH D009386, MONDO:0015356.

Submission:

Ambry Genetics
Classification: Uncertain significance for Hereditary cancer-predisposing syndrome. Last evaluated: 2019-12-13. Review status: criteria provided, single submitter. Criteria: Ambry Variant Classification Scheme 2023. Collection method: clinical testing. Allele origin: germline.
Comment: The p.W1140C variant (also known as c.3420G>T), located in coding exon 13 of the PALB2 gene, results from a G to T substitution at nucleotide position 3420. The tryptophan at codon 1140 is replaced by cysteine, an amino acid with highly dissimilar properties. This amino acid position is highly conserved in available vertebrate species. In addition, the in silico prediction for this alteration is inconclusive. Since supporting evidence is limited at this time, the clinical significance of this alteration remains unclear.

NM_024675.4(PALB2):c.3420G>T (p.Trp1140Cys)

Gene: PALB2 (partner and localizer of BRCA2; minus strand). Cytogenetic location: 16p12.2.
Variant type: single nucleotide variant.
Coding change: c.3420G>T on transcript NM_024675.4 (MANE Select); coding-DNA position 3420, G replaced by T.
Protein change: p.Trp1140Cys; replaces tryptophan 1140 with cysteine.
Molecular consequence: missense variant.
Genome position (GRCh38, 1-based): chr16:23,603,600, C>A on the plus strand (G>T on the coding strand, the complement: PALB2 is on the minus strand). VCF-style: chr16-23603600-C-A. GRCh37 (hg19) VCF-style: chr16-23614921-C-A.
Other names: c.3258G>T, p.Trp1086Cys (NM_001407298.1); c.3348G>T, p.Trp1116Cys (NM_001407297.1); c.3360G>T, p.Trp1120Cys (NM_001407296.1); c.3141G>T, p.Trp1047Cys (NM_001407300.1); c.*55G>T (NM_001407301.1, NM_001407302.1, NM_001407310.1 and 2 more transcripts); c.2535G>T, p.Trp845Cys (NM_001407304.1, NM_001407305.1, NM_001407306.1); c.3183G>T, p.Trp1061Cys (NM_001407299.1); c.2373G>T, p.Trp791Cys (NM_001407307.1); and 3 more; short protein forms W1061C, W1086C, W1120C, W791C, W1140C, W318C, W766C, W1047C.
Identifiers: ClinVar variation 1731271 (VCV001731271.2), dbSNP rs878855118, ClinGen allele CA395138210.